The following is an entry in ClinVar:

ClinVar aggregate classification (germline): Uncertain significance (1 of 4 stars; one submission).

Allele frequency attached by ClinVar (database versions not stated): gnomAD exomes 0.00001 and 0.00005; gnomAD 0.00003; ExAC 0.00004; TOPMed 0.00007; ESP Exome Variant Server 0.00008.
gnomAD v4.1: 25 of 1,613,934 alleles (0.0015%); highest among the groups gnomAD compares: Admixed American, 0.01%; no homozygotes.

Submission:

Labcorp Genetics (formerly Invitae), Labcorp
Classification: Uncertain significance. Last evaluated: 2025-01-06. Review status: criteria provided, single submitter. Criteria: Invitae Variant Classification Sherloc (09022015). Collection method: clinical testing. Allele origin: germline.
Comment: This sequence change replaces threonine, which is neutral and polar, with isoleucine, which is neutral and non-polar, at codon 315 of the ADAMTS18 protein (p.Thr315Ile). This variant is present in population databases (rs145795451, gnomAD 0.07%). This variant has not been reported in the literature in individuals affected with ADAMTS18-related conditions. ClinVar contains an entry for this variant (Variation ID: 842020). An algorithm developed to predict the effect of missense changes on protein structure and function (PolyPhen-2) suggests that this variant is likely to be disruptive. In summary, the available evidence is currently insufficient to determine the role of this variant in disease. Therefore, it has been classified as a Variant of Uncertain Significance.

NM_199355.4(ADAMTS18):c.944C>T (p.Thr315Ile)

Gene: ADAMTS18 (ADAM metallopeptidase with thrombospondin type 1 motif 18; minus strand). Cytogenetic location: 16q23.1.
Variant type: single nucleotide variant.
Coding change: c.944C>T on transcript NM_199355.4 (MANE Select); coding-DNA position 944, C replaced by T.
Protein change: p.Thr315Ile; replaces threonine 315 with isoleucine.
Molecular consequence: missense variant.
Genome position (GRCh38, 1-based): chr16:77,364,216, G>A on the plus strand (C>T on the coding strand, the complement: ADAMTS18 is on the minus strand). VCF-style: chr16-77364216-G-A. GRCh37 (hg19) VCF-style: chr16-77398113-G-A.
Other names: c.428C>T, p.Thr143Ile (NM_001326358.2); short protein forms T315I, T143I.
Identifiers: ClinVar variation 842020 (VCV000842020.7), dbSNP rs145795451, ClinGen allele CA8181510.